The following is an entry in ClinVar:

NM_032043.3(BRIP1):c.3358G>C (p.Asp1120His)

Gene: BRIP1 (BRCA1 interacting DNA helicase 1; minus strand). Cytogenetic location: 17q23.2.
Variant type: single nucleotide variant.
Coding change: c.3358G>C on transcript NM_032043.3 (MANE Select); coding-DNA position 3358, G replaced by C.
Protein change: p.Asp1120His; replaces aspartic acid 1120 with histidine.
Molecular consequence: missense variant.
Genome position (GRCh38, 1-based): chr17:61,683,688, C>G on the plus strand (G>C on the coding strand, the complement: BRIP1 is on the minus strand). VCF-style: chr17-61683688-C-G. GRCh37 (hg19) VCF-style: chr17-59761049-C-G.
Other names: short protein forms D1120H.
Identifiers: ClinVar variation 2059395 (VCV002059395.4), dbSNP rs1555572663, ClinGen allele CA400478906.
Genomic context (GRCh38, chr17:61,683,688, plus strand): 5'-CAGGATCATAAAGTTCAGGTGTAAAATAGATAGATTCATCTTCTGCTTCTGTTTCAAAAT[C>G]TCTATTTGAAGTGGACTGTTTATCTTCTTCACTTACTAGAGACAATTCAATGTCTGGATC-3'
Protein context (NP_114432.2, residues 1110-1130): EEDKQSTSNR[Asp1120His]FETEAEDESI

ClinVar aggregate classification (germline): Uncertain significance (1 of 4 stars; one submission).

Conditions:
Familial cancer of breast. Also called: Hereditary breast cancer; hereditary breast carcinoma; BREAST CANCER, FAMILIAL. Identifiers: Orphanet 227535, MedGen C0346153, MONDO:0016419, OMIM 114480. Disease mechanism: loss of function.
Fanconi anemia complementation group J. Also called: BRIP1-Related Fanconi Anemia. Identifiers: Orphanet 84, MedGen C1836860, MONDO:0012187, OMIM 609054.

Submission:

Labcorp Genetics (formerly Invitae), Labcorp
Classification: Uncertain significance for Familial cancer of breast; Fanconi anemia complementation group J. Last evaluated: 2021-12-25. Review status: criteria provided, single submitter. Criteria: Invitae Variant Classification Sherloc (09022015). Collection method: clinical testing. Allele origin: germline.
Comment: This sequence change replaces aspartic acid, which is acidic and polar, with histidine, which is basic and polar, at codon 1120 of the BRIP1 protein (p.Asp1120His). This variant is not present in population databases (gnomAD no frequency). This variant has not been reported in the literature in individuals affected with BRIP1-related conditions. Algorithms developed to predict the effect of missense changes on protein structure and function (SIFT, PolyPhen-2, Align-GVGD) all suggest that this variant is likely to be tolerated. In summary, the available evidence is currently insufficient to determine the role of this variant in disease. Therefore, it has been classified as a Variant of Uncertain Significance.